The following is an entry in ClinVar:

ClinVar aggregate classification (germline): Pathogenic (1 of 4 stars; one submission).

Conditions:
Colorectal cancer, hereditary nonpolyposis, type 7. Identifiers: Orphanet 144, MedGen C1858380, MONDO:0013725, OMIM 614385.

Submission:

Myriad Genetics, Inc.
Classification: Pathogenic for Colorectal cancer, hereditary nonpolyposis, type 7. Last evaluated: 2026-08-05. Review status: criteria provided, single submitter. Criteria: Myriad Autosomal Dominant, Autosomal Recessive and X-Linked Classification Criteria (2023). Collection method: clinical testing. Allele origin: unknown.
Comment: This variant is considered pathogenic. This variant creates a frameshift predicted to result in premature protein truncation.

NM_001040108.2(MLH3):c.1746_1747del (p.Lys585fs)

Gene: MLH3 (mutL homolog 3; minus strand). Cytogenetic location: 14q24.3.
Variant type: Microsatellite.
Coding change: c.1746_1747del on transcript NM_001040108.2 (MANE Select); coding-DNA positions 1746 to 1747, 2 bases deleted (GA; older notation c.1746_1747delGA).
Protein change: p.Lys585fs; shifts the reading frame from lysine 585.
Molecular consequence: frameshift variant.
Genome position (GRCh38, 1-based): chr14:75,047,909-75,047,910, TC deleted on the plus strand (GA on the coding strand, the reverse complement: MLH3 is on the minus strand); deleting any 2 consecutive bases within chr14:75,047,909-75,047,913 gives the same sequence; the c. name uses the placement nearest the transcript's 3' end. VCF-style (leftmost placement, unchanged base first): chr14-75047908-TTC-T. GRCh37 (hg19) VCF-style: chr14-75514611-TTC-T.
Other names: c.1746_1747del, p.Lys585fs (NM_014381.3); short protein forms K585fs.
Identifiers: ClinVar variation 5042236 (VCV005042236.1).